The following is an entry in ClinVar:

ClinVar aggregate classification (germline): Benign/Likely benign. Review status: criteria provided, multiple submitters, no conflicts (2 of 4 stars). 3 submissions from 3 submitters: Benign (1); Likely benign (2). Last evaluated 2026-06-02.

Conditions:
Gastrointestinal stromal tumor. Also called: Gastrointestinal stromal tumor, somatic; Gastrointestinal stroma tumor. Identifiers: Orphanet 44890, MedGen C0238198, MeSH D046152, MONDO:0011719, OMIM 606764, HP:0100723.
Hereditary cancer-predisposing syndrome. Also called: Neoplastic Syndromes, Hereditary; Hereditary Cancer Syndrome; Hereditary neoplastic syndrome; Tumor predisposition. Identifiers: Orphanet 140162, MedGen C0027672, MeSH D009386, MONDO:0015356.

Allele frequency attached by ClinVar (database versions not stated): TOPMed below 0.00001.

Submissions (3):

Myriad Genetics, Inc.
Classification: Benign for Gastrointestinal stromal tumor. Last evaluated: 2026-06-02. Review status: criteria provided, single submitter. Criteria: Myriad Autosomal Dominant, Autosomal Recessive and X-Linked Classification Criteria (2023). Collection method: clinical testing. Allele origin: unknown.
Comment: This variant is considered benign. This variant is a silent/synonymous amino acid change and it is not expected to impact splicing.

Labcorp Genetics (formerly Invitae), Labcorp
Classification: Likely benign for Gastrointestinal stromal tumor. Last evaluated: 2025-08-18. Review status: criteria provided, single submitter. Criteria: Invitae Variant Classification Sherloc (09022015). Collection method: clinical testing. Allele origin: germline.

Ambry Genetics
Classification: Likely benign for Hereditary cancer-predisposing syndrome. Last evaluated: 2022-10-30. Review status: criteria provided, single submitter. Criteria: Ambry Variant Classification Scheme 2023. Collection method: clinical testing. Allele origin: germline.

NM_000222.3(KIT):c.573G>A (p.Glu191=)

Gene: KIT (KIT proto-oncogene, receptor tyrosine kinase; plus strand). Cytogenetic location: 4q12.
Variant type: single nucleotide variant.
Coding change: c.573G>A on transcript NM_000222.3 (MANE Select); coding-DNA position 573, G replaced by A.
Protein change: p.Glu191=; no amino-acid change (glutamic acid 191 retained).
Molecular consequence: synonymous variant.
Genome position (GRCh38, 1-based): chr4:54,698,519, G>A. VCF-style: chr4-54698519-G-A. GRCh37 (hg19) VCF-style: chr4-55564685-G-A.
Other names: c.573G>A, p.Glu191= (NM_001093772.2, NM_001385284.1, NM_001385285.1 and 4 more transcripts).
Identifiers: ClinVar variation 720072 (VCV000720072.14), dbSNP rs780434119, ClinGen allele CA439409361.
Genomic context (GRCh38, chr4:54,698,519, plus strand): 5'-GATCAAAAGTGTGAAACGCGCCTACCATCGGCTCTGTCTGCATTGTTCTGTGGACCAGGA[G>A]GGCAAGTCAGTGCTGTCGGAAAAATTCATCCTGAAAGTGAGGCCAGGTACTGGCTCTTTC-3'
Protein context (NP_000213.1, residues 181-201): RLCLHCSVDQ[Glu191=]GKSVLSEKFI